The following is an entry in ClinVar:

NM_000133.4(F9):c.1018G>T (p.Glu340Ter)

Gene: F9 (coagulation factor IX; plus strand). Cytogenetic location: Xq27.1.
Variant type: single nucleotide variant.
Coding change: c.1018G>T on transcript NM_000133.4 (MANE Select); coding-DNA position 1018, G replaced by T.
Protein change: p.Glu340Ter; replaces glutamic acid 340 with a stop codon.
Molecular consequence: nonsense.
Genome position (GRCh38, 1-based): chrX:139,561,703, G>T. VCF-style: chrX-139561703-G-T. GRCh37 (hg19) VCF-style: chrX-138643862-G-T.
Other names: c.904G>T, p.Glu302Ter (NM_001313913.2); short protein forms E340*, E302*.
Identifiers: ClinVar variation 4992438 (VCV004992438.1).
Genomic context (GRCh38, chrX:139,561,703, plus strand): 5'-GAACTGGACGAACCCTTAGTGCTAAACAGCTACGTTACACCTATTTGCATTGCTGACAAG[G>T]AATACACGAACATCTTCCTCAAATTTGGATCTGGCTATGTAAGTGGCTGGGGAAGAGTCT-3'

ClinVar aggregate classification (germline): Pathogenic (1 of 4 stars; one submission).

Conditions:
F9-related disorder. Also called: F9-related condition.

Submission:

PreventionGenetics, part of Exact Sciences
Classification: Pathogenic for F9-related condition. Last evaluated: 2026-05-18. Review status: criteria provided, single submitter. Criteria: ACMG Guidelines, 2015. Collection method: clinical testing. Allele origin: germline.
Comment: The F9 c.1018G>T variant is predicted to result in premature protein termination (p.Glu340*). This variant was reported in an individual with haemophilia B (reported as 31,001 G>T in Giannelli et al. 1994. PubMed ID: 7937052). This variant has not been reported in a large population database (gnomAD), indicating this variant is rare. Nonsense variants in F9 are expected to be pathogenic. This variant is interpreted as pathogenic.